The following is an entry in ClinVar:

NM_001267550.2(TTN):c.76889G>T (p.Gly25630Val)

Genes: TTN (titin; minus strand), TTN-AS1 (TTN antisense RNA 1; plus strand). Cytogenetic location: 2q31.2.
Variant type: single nucleotide variant.
Coding change: c.76889G>T on transcript NM_001267550.2 (MANE Select); coding-DNA position 76889, G replaced by T.
Protein change: p.Gly25630Val; replaces glycine 25630 with valine.
Molecular consequence: missense variant.
Genome position (GRCh38, 1-based): chr2:178,569,243, C>A on the plus strand (G>T on the coding strand, the complement: TTN is on the minus strand). VCF-style: chr2-178569243-C-A. GRCh37 (hg19) VCF-style: chr2-179433970-C-A.
Other names: c.71966G>T, p.Gly23989Val (NM_001256850.1); c.49694G>T, p.Gly16565Val (NM_003319.4); c.69185G>T, p.Gly23062Val (NM_133378.4); c.50069G>T, p.Gly16690Val (NM_133432.3); c.50270G>T, p.Gly16757Val (NM_133437.4); short protein forms G25630V, G23062V, G23989V, G16690V, G16757V, G16565V.
Identifiers: ClinVar variation 404965 (VCV000404965.8), dbSNP rs760386525, ClinGen allele CA1989850.

ClinVar aggregate classification (germline): Uncertain significance. Review status: criteria provided, multiple submitters, no conflicts (2 of 4 stars). 4 submissions from 4 submitters: Uncertain significance (4). Last evaluated 2026-04-17.

Conditions:
TTN-related disorder. Also called: TTN-related disorders; TTN-related condition; TTN-related disease.
Autosomal recessive limb-girdle muscular dystrophy type 2J (LGMDR10). Also called: Limb-girdle muscular dystrophy, type 2J; MUSCULAR DYSTROPHY, LIMB-GIRDLE, AUTOSOMAL RECESSIVE 10. Identifiers: Orphanet 140922, MedGen C1837342, MONDO:0012127, OMIM 608807.
Dilated cardiomyopathy 1G (CMD1G). Identifiers: Orphanet 154, MedGen C1858763, MONDO:0011400, OMIM 604145.

Allele frequency attached by ClinVar (database versions not stated): gnomAD 0.00001; ExAC 0.00002; gnomAD exomes 0.00002; TOPMed 0.00002.
gnomAD v4.1: 10 of 1,602,852 alleles (0.00062%); highest among the groups gnomAD compares: Admixed American, 0.014%; no homozygotes.

Submissions (4):

PreventionGenetics, part of Exact Sciences
Classification: Uncertain significance for TTN-related condition. Last evaluated: 2026-04-17. Review status: criteria provided, single submitter. Criteria: ACMG Guidelines, 2015. Collection method: clinical testing. Allele origin: germline.
Comment: The TTN c.76889G>T variant is predicted to result in the amino acid substitution p.Gly25630Val. This variant has been reported as a variant of uncertain significance in a family with atrial fibrillation (Chalazan et al. 2021. PubMed ID: 33950154). This variant is reported in 0.015% of alleles in individuals of Latino descent in gnomAD. At this time, the clinical significance of this variant is uncertain due to the absence of conclusive functional and genetic evidence.

Revvity Omics, Revvity
Classification: Uncertain significance. Last evaluated: 2020-08-19. Review status: criteria provided, single submitter. Criteria: ACMG Guidelines, 2015. Collection method: clinical testing. Allele origin: germline.

Labcorp Genetics (formerly Invitae), Labcorp
Classification: Uncertain significance for Dilated cardiomyopathy 1G; Autosomal recessive limb-girdle muscular dystrophy type 2J. Last evaluated: 2016-04-29. Review status: criteria provided, single submitter. Criteria: Invitae Variant Classification Sherloc (09022015). Collection method: clinical testing. Allele origin: germline.

Breakthrough Genomics
Classification: Uncertain significance. Review status: criteria provided, single submitter. Criteria: ACMG Guidelines, 2015. Collection method: not provided. Allele origin: germline. Inheritance: Autosomal recessive inheritance. Affected: yes.